The following is an entry in ClinVar:

NM_201384.3(PLEC):c.6292G>C (p.Val2098Leu)

Gene: PLEC (plectin; minus strand). Cytogenetic location: 8q24.3.
Variant type: single nucleotide variant.
Coding change: c.6292G>C on transcript NM_201384.3 (MANE Select); coding-DNA position 6292, G replaced by C.
Protein change: p.Val2098Leu; replaces valine 2098 with leucine.
Molecular consequence: missense variant.
Genome position (GRCh38, 1-based): chr8:143,923,637, C>G on the plus strand (G>C on the coding strand, the complement: PLEC is on the minus strand). VCF-style: chr8-143923637-C-G. GRCh37 (hg19) VCF-style: chr8-144997805-C-G.
Other names: c.6373G>C, p.Val2125Leu (NM_000445.5); c.6250G>C, p.Val2084Leu (NM_201378.4); c.6226G>C, p.Val2076Leu (NM_201379.3); c.6703G>C, p.Val2235Leu (NM_201380.4); c.6196G>C, p.Val2066Leu (NM_201381.3); c.6292G>C, p.Val2098Leu (NM_201382.4); c.6304G>C, p.Val2102Leu (NM_201383.3); short protein forms V2098L, V2235L, V2066L, V2102L, V2125L, V2076L, V2084L.
Identifiers: ClinVar variation 2274409 (VCV002274409.5), dbSNP rs782543560, ClinGen allele CA4926053.
Genomic context (GRCh38, chr8:143,923,637, plus strand): 5'-TCAGCCGCTCGGCCTCTTCCACCTGCCGCCGGGACTGCGCCGCCTCACGCTCCGCCTGCA[C>G]CCGGGCCTCCTCCGCCTCCTCAGCCGCCCGCCGGGCCGCCTCCGCCTCGCCGCGCAGCTG-3'
Protein context (NP_958786.1, residues 2088-2108): RAAEEAEEAR[Val2098Leu]QAEREAAQSR

ClinVar aggregate classification (germline): Uncertain significance. Review status: criteria provided, multiple submitters, no conflicts (2 of 4 stars). 2 submissions from 2 submitters: Uncertain significance (2). Last evaluated 2023-01-12.

Conditions:
Epidermolysis bullosa simplex 5B, with muscular dystrophy (EBS5B). Also called: Epidermolysis bullosa simplex with muscular dystrophy; EPIDERMOLYSIS BULLOSA SIMPLEX AND LIMB-GIRDLE MUSCULAR DYSTROPHY. Identifiers: Orphanet 257, MedGen C2931072, MONDO:0009181, OMIM 226670.
Epidermolysis bullosa simplex, Ogna type (EBS5A). Also called: EPIDERMOLYSIS BULLOSA SIMPLEX 5A, OGNA TYPE; Pidermolysis bullosa simplex 5A, Ogna type. Identifiers: Orphanet 79401, MedGen C0432317, MONDO:0007555, OMIM 131950.
Epidermolysis bullosa simplex 5C, with pyloric atresia (EBS5C). Also called: PLEC-Related Epidermolysis Bullosa with Pyloric Atresia; Epidermolysis bullosa simplex with pyloric atresia; PLEC1-Related Epidermolysis Bullosa with Pyloric Atresia. Identifiers: Orphanet 158684, MedGen C2677349, MONDO:0012807, OMIM 612138.
Autosomal recessive limb-girdle muscular dystrophy type 2Q (LGMDR17). Also called: MUSCULAR DYSTROPHY, LIMB-GIRDLE, AUTOSOMAL RECESSIVE 17. Identifiers: Orphanet 254361, MedGen C3150989, MONDO:0013390, OMIM 613723.
Epidermolysis bullosa simplex with nail dystrophy (EBS5D). Identifiers: MedGen C4225309, MONDO:0014661, OMIM 616487.
Inborn genetic diseases. Identifiers: MedGen C0950123, MeSH D030342.

Allele frequency attached by ClinVar (database versions not stated): gnomAD 0.00002.
gnomAD v4.1: 7 of 1,582,990 alleles (0.00044%); highest among the groups gnomAD compares: African/African-American, 0.0081%; no homozygotes.

Submissions (2):

Labcorp Genetics (formerly Invitae), Labcorp
Classification: Uncertain significance for Autosomal recessive limb-girdle muscular dystrophy type 2Q; Epidermolysis bullosa simplex, Ogna type; Epidermolysis bullosa simplex with nail dystrophy; Epidermolysis bullosa simplex 5C, with pyloric atresia; Epidermolysis bullosa simplex 5B, with muscular dystrophy. Last evaluated: 2023-01-12. Review status: criteria provided, single submitter. Criteria: Invitae Variant Classification Sherloc (09022015). Collection method: clinical testing. Allele origin: germline.
Comment: In summary, the available evidence is currently insufficient to determine the role of this variant in disease. Therefore, it has been classified as a Variant of Uncertain Significance. Algorithms developed to predict the effect of missense changes on protein structure and function are either unavailable or do not agree on the potential impact of this missense change (SIFT: "Deleterious"; PolyPhen-2: "Benign"; Align-GVGD: "Class C0"). This variant has not been reported in the literature in individuals affected with PLEC-related conditions. This variant is present in population databases (rs782543560, gnomAD 0.02%). This sequence change replaces valine, which is neutral and non-polar, with leucine, which is neutral and non-polar, at codon 2125 of the PLEC protein (p.Val2125Leu).

Ambry Genetics
Classification: Uncertain significance for Inborn genetic diseases. Last evaluated: 2022-01-27. Review status: criteria provided, single submitter. Criteria: Ambry Variant Classification Scheme 2023. Collection method: clinical testing. Allele origin: germline.